The following is an entry in ClinVar:

ClinVar aggregate classification (germline): Uncertain significance (1 of 4 stars; one submission).

Conditions:
Primary ciliary dyskinesia. Also called: Ciliary dyskinesia. Identifiers: Orphanet 244, MedGen C0008780, MONDO:0016575, HP:0012265.

Allele frequency attached by ClinVar (database versions not stated): gnomAD exomes below 0.00001; TOPMed below 0.00001.
gnomAD v4.1: 1 of 1,605,848 alleles (0.000062%); highest among the groups gnomAD compares: Non-Finnish European, 0.000085%; no homozygotes.

Submission:

Labcorp Genetics (formerly Invitae), Labcorp
Classification: Uncertain significance for Primary ciliary dyskinesia. Last evaluated: 2022-06-08. Review status: criteria provided, single submitter. Criteria: Invitae Variant Classification Sherloc (09022015). Collection method: clinical testing. Allele origin: germline.
Comment: In summary, the available evidence is currently insufficient to determine the role of this variant in disease. Therefore, it has been classified as a Variant of Uncertain Significance. Algorithms developed to predict the effect of missense changes on protein structure and function are either unavailable or do not agree on the potential impact of this missense change (SIFT: "Deleterious"; PolyPhen-2: "Not Available"; Align-GVGD: "Class C0"). This variant has not been reported in the literature in individuals affected with DNAH8-related conditions. This variant is present in population databases (no rsID available, gnomAD 0.007%). This sequence change replaces threonine, which is neutral and polar, with alanine, which is neutral and non-polar, at codon 4410 of the DNAH8 protein (p.Thr4410Ala).

NM_001206927.2(DNAH8):c.13228A>G (p.Thr4410Ala)

Gene: DNAH8 (dynein axonemal heavy chain 8; plus strand). Cytogenetic location: 6p21.2.
Variant type: single nucleotide variant.
Coding change: c.13228A>G on transcript NM_001206927.2 (MANE Select); coding-DNA position 13228, A replaced by G.
Protein change: p.Thr4410Ala; replaces threonine 4410 with alanine.
Molecular consequence: missense variant.
Genome position (GRCh38, 1-based): chr6:39,008,827, A>G. VCF-style: chr6-39008827-A-G. GRCh37 (hg19) VCF-style: chr6-38976603-A-G.
Other names: c.12577A>G, p.Thr4193Ala (NM_001371.4); short protein forms T4193A, T4410A.
Identifiers: ClinVar variation 1984425 (VCV001984425.4), dbSNP rs1380705924, ClinGen allele CA364020002.
Genomic context (GRCh38, chr6:39,008,827, plus strand): 5'-TTACATGTTTCCCTGTAACATTCTGAACAGCTCACTCTTTTTACTAGGTATCAGAGTAAC[A>G]CTGCTTCTGCTGTTCTTGAAACAATTACCAACATTCAACCCAAAGAGAGTGGAGGTGGTG-3'
Protein context (NP_001193856.1, residues 4400-4420): PNADITYQSN[Thr4410Ala]ASAVLETITN